The following is an entry in ClinVar:

ClinVar aggregate classification (germline): Uncertain significance. Review status: criteria provided, multiple submitters, no conflicts (2 of 4 stars). 2 submissions from 2 submitters: Uncertain significance (2). Last evaluated 2024-06-17.

Conditions:
Megaloblastic anemia, thiamine-responsive, with diabetes mellitus and sensorineural deafness (TRMA). Also called: THIAMINE METABOLISM DYSFUNCTION SYNDROME 1 (MEGALOBLASTIC ANEMIA, DIABETES MELLITUS, AND DEAFNESS TYPE); Thiamine-Responsive Megaloblastic Anemia Syndrome; ROGERS SYNDROME; THIAMINE-RESPONSIVE ANEMIA SYNDROME; THIAMINE-RESPONSIVE MYELODYSPLASIA. Identifiers: Orphanet 49827, MedGen C0342287, MONDO:0009575, OMIM 249270.

Allele frequency attached by ClinVar (database versions not stated): gnomAD exomes below 0.00001; TOPMed below 0.00001; gnomAD 0.00001.
gnomAD v4.1: 2 of 1,614,086 alleles (0.00012%); highest among the groups gnomAD compares: African/African-American, 0.0013%; no homozygotes.

Submissions (2):

Fulgent Genetics
Classification: Uncertain significance for Megaloblastic anemia, thiamine-responsive, with diabetes mellitus and sensorineural deafness. Last evaluated: 2024-06-17. Review status: criteria provided, single submitter. Criteria: ACMG Guidelines, 2015. Collection method: clinical testing. Allele origin: germline.

Labcorp Genetics (formerly Invitae), Labcorp
Classification: Uncertain significance. Last evaluated: 2022-07-01. Review status: criteria provided, single submitter. Criteria: Invitae Variant Classification Sherloc (09022015). Collection method: clinical testing. Allele origin: germline.
Comment: This variant has not been reported in the literature in individuals affected with SLC19A2-related conditions. In summary, the available evidence is currently insufficient to determine the role of this variant in disease. Therefore, it has been classified as a Variant of Uncertain Significance. Advanced modeling of protein sequence and biophysical properties (such as structural, functional, and spatial information, amino acid conservation, physicochemical variation, residue mobility, and thermodynamic stability) performed at Invitae indicates that this missense variant is expected to disrupt SLC19A2 protein function. This variant is present in population databases (no rsID available, gnomAD 0.003%). This sequence change replaces leucine, which is neutral and non-polar, with phenylalanine, which is neutral and non-polar, at codon 195 of the SLC19A2 protein (p.Leu195Phe).

NM_006996.3(SLC19A2):c.583C>T (p.Leu195Phe)

Gene: SLC19A2 (solute carrier family 19 member 2; minus strand). Cytogenetic location: 1q24.2.
Variant type: single nucleotide variant.
Coding change: c.583C>T on transcript NM_006996.3 (MANE Select); coding-DNA position 583, C replaced by T.
Protein change: p.Leu195Phe; replaces leucine 195 with phenylalanine.
Molecular consequence: missense variant. On other transcripts: intron variant (1).
Genome position (GRCh38, 1-based): chr1:169,477,379, G>A on the plus strand (C>T on the coding strand, the complement: SLC19A2 is on the minus strand). VCF-style: chr1-169477379-G-A. GRCh37 (hg19) VCF-style: chr1-169446617-G-A.
Other names: c.205-7193C>T (NM_001319667.1); short protein forms L195F.
Identifiers: ClinVar variation 1928630 (VCV001928630.6), dbSNP rs1446658840, ClinGen allele CA343110184.
Genomic context (GRCh38, chr1:169,477,379, plus strand): 5'-GGCTCTTCTGTGGCATAGGTAAAAACCAGGCCACAGCAAAAGCCACTGAAACACAGGTAA[G>A]AGAGATGACATTCAGGCTGAACAGCGACCAGCCTGCCACTGAGACAAGGATTTGCCCTAG-3'
Protein context (NP_008927.1, residues 185-205): WSLFSLNVIS[Leu195Phe]TCVSVAFAVA